The following is an entry in ClinVar:

NM_005026.5(PIK3CD):c.1243-7_1243-5del

Genes: PIK3CD (phosphatidylinositol-4,5-bisphosphate 3-kinase catalytic subunit delta; plus strand), LOC126805612 (MED14-independent group 3 enhancer GRCh37_chr1:9778914-9780113; plus strand). Cytogenetic location: 1p36.22.
Variant type: Deletion.
Coding change: c.1243-7_1243-5del on transcript NM_005026.5 (MANE Select); 7 bases into the intron before coding-DNA position 1243 through 5 bases into the intron before coding-DNA position 1243, 3 bases deleted (TCT; older notation c.1243-7_1243-5delTCT).
Molecular consequence: intron variant.
Genome position (GRCh38, 1-based): chr1:9,719,914-9,719,916, TCT deleted; deleting any 3 consecutive bases within chr1:9,719,912-9,719,916 gives the same sequence; the c. name uses the placement nearest the transcript's 3' end. VCF-style (leftmost placement, unchanged base first): chr1-9719911-CCTT-C. GRCh37 (hg19) VCF-style: chr1-9779969-CCTT-C.
Other names: c.1243-7_1243-5del (NM_001350234.2); c.1156-7_1156-5del (NM_001350235.1).
Identifiers: ClinVar variation 3242097 (VCV003242097.1), dbSNP rs746885189.

ClinVar aggregate classification (germline): Uncertain significance (1 of 4 stars; one submission).

Conditions:
Immunodeficiency 14 (IMD14A). Also called: IMMUNODEFICIENCY 14A WITH LYMPHOPROLIFERATION, AUTOSOMAL DOMINANT; ACTIVATED PI3K-DELTA SYNDROME 1; Activated PI3K Delta Syndrome Type 1 (APDS1); p110-DELTA-ACTIVATING MUTATION CAUSING SENESCENT T CELLS, LYMPHADENOPATHY, AND IMMUNODEFICIENCY. Identifiers: Orphanet 397596, Orphanet 693661, MedGen C5907821, MONDO:0014222, OMIM 615513.

Submission:

Neuberg Centre For Genomic Medicine, NCGM
Classification: Uncertain significance for Immunodeficiency 14. Review status: criteria provided, single submitter. Criteria: ACMG Guidelines, 2015. Collection method: clinical testing. Allele origin: germline. Inheritance: Autosomal dominant inheritance. Affected: yes.
Comment: The splice region c.1243-7_1243-5del variant in the PIK3CD gene has not been reported previously as a pathogenic variant nor as a benign variant, to our knowledge. This variant is reported with the allele frequency (0.001%) in the gnomAD Exomes and novel in 1000 Genomes. The variant affects the position 5-7 nucleotides upstream of exon 9. Further studies are required to prove the pathogenicity of the variant. For these reasons, this variant has been classified as Uncertain Significance.